The following is an entry in ClinVar:

NM_021098.3(CACNA1H):c.3854T>A (p.Val1285Asp)

Gene: CACNA1H (calcium voltage-gated channel subunit alpha1 H; plus strand). Cytogenetic location: 16p13.3.
Variant type: single nucleotide variant.
Coding change: c.3854T>A on transcript NM_021098.3 (MANE Select); coding-DNA position 3854, T replaced by A.
Protein change: p.Val1285Asp; replaces valine 1285 with aspartic acid.
Molecular consequence: missense variant.
Genome position (GRCh38, 1-based): chr16:1,210,378, T>A. VCF-style: chr16-1210378-T-A. GRCh37 (hg19) VCF-style: chr16-1260378-T-A.
Other names: c.3854T>A, p.Val1285Asp (NM_001005407.2); short protein forms V1285D.
Identifiers: ClinVar variation 1360790 (VCV001360790.8), dbSNP rs1359854181, ClinGen allele CA394176191.

ClinVar aggregate classification (germline): Uncertain significance (1 of 4 stars; one submission).

Conditions:
Idiopathic generalized epilepsy. Also called: Generalised epilepsy; EIG. Identifiers: MedGen C0270850, MONDO:0005579, OMIM 600669.
Hyperaldosteronism, familial, type IV (HALD4). Also called: FH IV; ALDOSTERONISM, PRIMARY, AND HYPERTENSION. Identifiers: Orphanet 642671, MedGen C4310756, MONDO:0014875, OMIM 617027.

Allele frequency attached by ClinVar (database versions not stated): gnomAD exomes below 0.00001.
gnomAD v4.1: 4 of 987,874 alleles (0.0004%); highest among the groups gnomAD compares: African/African-American, 0.0037%; no homozygotes.

Submission:

Labcorp Genetics (formerly Invitae), Labcorp
Classification: Uncertain significance for Idiopathic generalized epilepsy; Hyperaldosteronism, familial, type IV. Last evaluated: 2021-07-23. Review status: criteria provided, single submitter. Criteria: Invitae Variant Classification Sherloc (09022015). Collection method: clinical testing. Allele origin: germline.
Comment: Advanced modeling of protein sequence and biophysical properties (such as structural, functional, and spatial information, amino acid conservation, physicochemical variation, residue mobility, and thermodynamic stability) performed at Invitae indicates that this missense variant is not expected to disrupt CACNA1H protein function. In summary, the available evidence is currently insufficient to determine the role of this variant in disease. Therefore, it has been classified as a Variant of Uncertain Significance. This variant has not been reported in the literature in individuals with CACNA1H-related conditions. This variant is not present in population databases (ExAC no frequency). This sequence change replaces valine with aspartic acid at codon 1285 of the CACNA1H protein (p.Val1285Asp). The valine residue is moderately conserved and there is a large physicochemical difference between valine and aspartic acid.